The following is an entry in ClinVar:

NC_000008.11:g.66178947G>T

Gene: CRH (corticotropin releasing hormone; minus strand). Cytogenetic location: 8q13.1.
Variant type: single nucleotide variant.
Genome position: GRCh38 VCF-style: chr8-66178947-G-T. GRCh37 (hg19) VCF-style: chr8-67091182-G-T.
Identifiers: ClinVar variation 38800 (VCV000038800.7), dbSNP rs12721510, ClinGen allele CA178436373.

ClinVar aggregate classification (germline): Likely benign. Review status: no assertion criteria provided (0 of 4 stars). 2 submissions from 2 submitters: Likely benign (1). 1 of the submissions does not count toward it. Last evaluated 2022-02-09.

Conditions:
CRH-related disorder. Also called: CRH-related condition.
Familial sleep-related hypermotor epilepsy. Also called: Autosomal Dominant Sleep-Related Hypermotor (Hyperkinetic) Epilepsy. Identifiers: Orphanet 98784, MedGen C3696898, MONDO:0000030.

Allele frequency attached by ClinVar (database versions not stated): 1000 Genomes Project 0.01418; 1000 Genomes Project 30x 0.01530; gnomAD 0.04273; TOPMed 0.03884.

Submissions (2):

PreventionGenetics, part of Exact Sciences
Classification: Likely benign for CRH-related condition. Last evaluated: 2022-02-09. Review status: no assertion criteria provided. Collection method: clinical testing. Allele origin: germline.
Comment: This variant is classified as likely benign based on ACMG/AMP sequence variant interpretation guidelines (Richards et al. 2015 PMID: 25741868, with internal and published modifications).

GeneReviews
No classification provided. Condition: Familial sleep-related hypermotor epilepsy. Review status: no classification provided. Collection method: literature only. Allele origin: germline. Not counted in ClinVar's aggregate classification.

Literature cited by the submitters: NCBI Bookshelf NBK1169 (cited by GeneReviews); PubMed 23086396 (cited by GeneReviews).